The following is an entry in ClinVar:

NM_001184880.2(PCDH19):c.2288+6A>G

Genes: PCDH19 (protocadherin 19; minus strand), LOC125467768 (CDK7 strongly-dependent group 2 enhancer GRCh37_chrX:99657381-99658580; plus strand). Cytogenetic location: Xq22.1.
Variant type: single nucleotide variant.
Coding change: c.2288+6A>G on transcript NM_001184880.2 (MANE Select); 6 bases into the intron after coding-DNA position 2288, A replaced by G.
Molecular consequence: intron variant.
Genome position (GRCh38, 1-based): chrX:100,403,518, T>C on the plus strand (A>G on the coding strand, the complement: PCDH19 is on the minus strand). VCF-style: chrX-100403518-T-C. GRCh37 (hg19) VCF-style: chrX-99658516-T-C.
Other names: c.2148-667A>G (NM_020766.3, NM_001105243.2).
Identifiers: ClinVar variation 1014037 (VCV001014037.9), dbSNP rs948910239, ClinGen allele CA333825861.

ClinVar aggregate classification (germline): Uncertain significance (1 of 4 stars; one submission).

Conditions:
Developmental and epileptic encephalopathy, 9 (DEE9). Also called: JUBERG-HELLMAN SYNDROME; PCDH19-Related X-Linked Female-Limited Epilepsy with Mental Retardation; Early infantile epileptic encephalopathy 9; EPILEPSY, FEMALE-RESTRICTED, WITH MENTAL RETARDATION. Identifiers: Orphanet 101039, Orphanet 2076, MedGen C1848137, MONDO:0010246, OMIM 300088. Disease mechanism: loss of function.

Allele frequency attached by ClinVar (database versions not stated): gnomAD exomes below 0.00001.
gnomAD v4.1: 2 of 1,207,837 alleles (0.00017%); highest among the groups gnomAD compares: African/African-American, 0.0035%; no homozygotes.

Submission:

Labcorp Genetics (formerly Invitae), Labcorp
Classification: Uncertain significance for Developmental and epileptic encephalopathy, 9. Last evaluated: 2022-03-09. Review status: criteria provided, single submitter. Criteria: Invitae Variant Classification Sherloc (09022015). Collection method: clinical testing. Allele origin: germline.
Comment: This sequence change falls in intron 2 of the PCDH19 gene. It does not directly change the encoded amino acid sequence of the PCDH19 protein. It affects a nucleotide within the consensus splice site. In summary, the available evidence is currently insufficient to determine the role of this variant in disease. Therefore, it has been classified as a Variant of Uncertain Significance. Variants that disrupt the consensus splice site are a relatively common cause of aberrant splicing (PMID: 17576681, 9536098). Algorithms developed to predict the effect of sequence changes on RNA splicing suggest that this variant is not likely to affect RNA splicing. ClinVar contains an entry for this variant (Variation ID: 1014037). This variant has not been reported in the literature in individuals affected with PCDH19-related conditions. This variant is not present in population databases (gnomAD no frequency).

Literature cited by the submitters: PubMed 17576681; PubMed 9536098.